The following is an entry in ClinVar:

NM_002204.4(ITGA3):c.2309G>A (p.Arg770Gln)

Gene: ITGA3 (integrin subunit alpha 3; plus strand). Cytogenetic location: 17q21.33.
Variant type: single nucleotide variant.
Coding change: c.2309G>A on transcript NM_002204.4 (MANE Select); coding-DNA position 2309, G replaced by A.
Protein change: p.Arg770Gln; replaces arginine 770 with glutamine.
Molecular consequence: missense variant.
Genome position (GRCh38, 1-based): chr17:50,078,835, G>A. VCF-style: chr17-50078835-G-A. GRCh37 (hg19) VCF-style: chr17-48156199-G-A.
Other names: short protein forms R770Q.
Identifiers: ClinVar variation 2181849 (VCV002181849.4), dbSNP rs149681183, ClinGen allele CA8641901.
Genomic context (GRCh38, chr17:50,078,835, plus strand): 5'-GGCCCTGGTCTCTTGTCCCCCGTGACTCCAGCATCCTTCTTACCCCTAGGGTAAATCACC[G>A]GCTACAAAGCTTCTTTGGGGGGACAGTGATGGGTGAGTCTGGCATGAAAACTGTGGAGGA-3'
Protein context (NP_002195.1, residues 760-780): LQTSLSMVNH[Arg770Gln]LQSFFGGTVM

ClinVar aggregate classification (germline): Uncertain significance. Review status: criteria provided, multiple submitters, no conflicts (2 of 4 stars). 2 submissions from 2 submitters: Uncertain significance (2). Last evaluated 2024-01-03.

Conditions:
Epidermolysis bullosa, junctional 7, with interstitial lung disease and nephrotic syndrome. Also called: Interstitial lung disease, nephrotic syndrome, and epidermolysis bullosa, congenital; Interstitial Lung Disease with Nephrotic Syndrome and Epidermolysis Bullosa. Identifiers: Orphanet 306504, MedGen C4518785, MONDO:0013881, OMIM 614748.

Allele frequency attached by ClinVar (database versions not stated): TOPMed 0.00003; gnomAD 0.00006; 1000 Genomes Project 30x 0.00031; 1000 Genomes Project 0.00040; gnomAD exomes 0.00002; ESP Exome Variant Server 0.00008; ExAC 0.00005.
gnomAD v4.1: 35 of 1,609,678 alleles (0.0022%); highest among the groups gnomAD compares: Middle Eastern, 0.066%; no homozygotes.

Submissions (2):

Fulgent Genetics
Classification: Uncertain significance for Epidermolysis bullosa, junctional 7, with interstitial lung disease and nephrotic syndrome. Last evaluated: 2024-01-03. Review status: criteria provided, single submitter. Criteria: ACMG Guidelines, 2015. Collection method: clinical testing. Allele origin: germline.

Labcorp Genetics (formerly Invitae), Labcorp
Classification: Uncertain significance. Last evaluated: 2021-12-08. Review status: criteria provided, single submitter. Criteria: Invitae Variant Classification Sherloc (09022015). Collection method: clinical testing. Allele origin: germline.
Comment: In summary, the available evidence is currently insufficient to determine the role of this variant in disease. Therefore, it has been classified as a Variant of Uncertain Significance. Algorithms developed to predict the effect of missense changes on protein structure and function (SIFT, PolyPhen-2, Align-GVGD) all suggest that this variant is likely to be tolerated. This variant has not been reported in the literature in individuals affected with ITGA3-related conditions. This variant is present in population databases (rs149681183, gnomAD 0.02%). This sequence change replaces arginine, which is basic and polar, with glutamine, which is neutral and polar, at codon 770 of the ITGA3 protein (p.Arg770Gln).